The following is an entry in ClinVar:

NM_001267550.2(TTN):c.13654G>C (p.Val4552Leu)

Gene: TTN (titin; minus strand). Cytogenetic location: 2q31.2.
Variant type: single nucleotide variant.
Coding change: c.13654G>C on transcript NM_001267550.2 (MANE Select); coding-DNA position 13654, G replaced by C.
Protein change: p.Val4552Leu; replaces valine 4552 with leucine.
Molecular consequence: missense variant. On other transcripts: intron variant (1).
Genome position (GRCh38, 1-based): chr2:178,739,579, C>G on the plus strand (G>C on the coding strand, the complement: TTN is on the minus strand). VCF-style: chr2-178739579-C-G. GRCh37 (hg19) VCF-style: chr2-179604306-C-G.
Other names: c.12703G>C, p.Val4235Leu (NM_001256850.1); c.12565G>C, p.Val4189Leu (NM_003319.4); c.12940G>C, p.Val4314Leu (NM_133432.3); c.13141G>C, p.Val4381Leu (NM_133437.4); c.10361-1219G>C (NM_133378.4); short protein forms V4189L, V4235L, V4381L, V4552L, V4314L.
Identifiers: ClinVar variation 4995553 (VCV004995553.1).
Genomic context (GRCh38, chr2:178,739,579, plus strand): 5'-GTTTCAGACTCTCATCTTGTTTTTCGTCAGAGACAACAGCTGAAGCAACCCCTTTAGTGA[C>G]AGGTGTGGCATCCAAATATTTAACCCTACTTTGCACGTTAAAATAACTGACCTCTTCAGT-3'
Protein context (NP_001254479.2, residues 4542-4562): SRVKYLDATP[Val4552Leu]TKGVASAVVS

ClinVar aggregate classification (germline): Uncertain significance (1 of 4 stars; one submission).

Conditions:
TTN-related disorder. Also called: TTN-related condition; TTN-related disease; TTN-related disorders.

gnomAD v4.1: 1 of 1,613,808 alleles (0.000062%); highest among the groups gnomAD compares: Non-Finnish European, 0.000085%; no homozygotes.

Submission:

PreventionGenetics, part of Exact Sciences
Classification: Uncertain significance for TTN-related condition. Last evaluated: 2026-05-28. Review status: criteria provided, single submitter. Criteria: ACMG Guidelines, 2015. Collection method: clinical testing. Allele origin: germline.
Comment: The TTN c.13654G>C variant is predicted to result in the amino acid substitution p.Val4552Leu. To our knowledge, this variant has not been reported in the literature or in a large population database (gnomAD), indicating this variant is rare. At this time, the clinical significance of this variant is uncertain due to the absence of conclusive functional and genetic evidence.